The following is an entry in ClinVar:

NM_004006.3(DMD):c.5139del (p.Glu1714fs)

Gene: DMD (dystrophin; minus strand). Cytogenetic location: Xp21.1.
Variant type: Deletion.
Coding change: c.5139del on transcript NM_004006.3 (MANE Select); coding-DNA position 5139, one base deleted (A; older notation c.5139delA).
Protein change: p.Glu1714fs; shifts the reading frame from glutamic acid 1714.
Molecular consequence: frameshift variant.
Genome position (GRCh38, 1-based): chrX:32,364,597, T deleted on the plus strand (A on the coding strand, the reverse complement: DMD is on the minus strand); the first of 5 consecutive T bases (chrX:32,364,597-32,364,601); deleting any one gives the same sequence. VCF-style (leftmost placement, unchanged base first): chrX-32364596-CT-C. GRCh37 (hg19) VCF-style: chrX-32382713-CT-C.
Other names: c.5139delA (NM_004006.2); c.5115del, p.Glu1706fs (NM_000109.4); c.5127del, p.Glu1710fs (NM_004009.3); c.4770del, p.Glu1591fs (NM_004010.3); c.1116del, p.Glu373fs (NM_004011.4); c.1107del, p.Glu370fs (NM_004012.4); short protein forms E1706fs, E1710fs, E1714fs, E373fs, E1591fs, E370fs.
Identifiers: ClinVar variation 497488 (VCV000497488.13), dbSNP rs1557304860, ClinGen allele CA658799691.

ClinVar aggregate classification (germline): Pathogenic. Review status: criteria provided, multiple submitters, no conflicts (2 of 4 stars). 2 submissions from 2 submitters: Pathogenic (2). Last evaluated 2017-12-11.

Conditions:
Duchenne muscular dystrophy (DMD). Also called: MUSCULAR DYSTROPHY, PSEUDOHYPERTROPHIC PROGRESSIVE, DUCHENNE TYPE; Duchenne Muscular Dystrophy (DMD). Identifiers: Orphanet 98896, MedGen C0013264, MONDO:0010679, OMIM 310200.

Submissions (2):

Labcorp Genetics (formerly Invitae), Labcorp
Classification: Pathogenic for Duchenne muscular dystrophy. Last evaluated: 2017-12-11. Review status: criteria provided, single submitter. Criteria: Invitae Variant Classification Sherloc (09022015). Collection method: clinical testing. Allele origin: germline.
Comment: Loss-of-function variants in DMD are known to be pathogenic (PMID: 16770791, 25007885). For these reasons, this variant has been classified as Pathogenic. This variant has been reported in an individual with Duchenne muscular dystrophy (PMID: 15351422). This variant is not present in population databases (ExAC no frequency). This sequence change creates a premature translational stop signal (p.Glu1714Lysfs*7) in the DMD gene. It is expected to result in an absent or disrupted protein product.

Eurofins Ntd Llc (ga)
Classification: Pathogenic. Last evaluated: 2016-10-05. Review status: criteria provided, single submitter. Criteria: EGL Classification Definitions 2015. Collection method: clinical testing. Allele origin: germline. Observed: 1 variant allele, 1 hemizygote.

Literature cited by the submitters: PubMed 16770791 (cited by Labcorp Genetics (formerly Invitae), Labcorp); PubMed 25007885 (cited by Labcorp Genetics (formerly Invitae), Labcorp); PubMed 15351422 (cited by Labcorp Genetics (formerly Invitae), Labcorp).